The following is an entry in ClinVar:

ClinVar aggregate classification (germline): Uncertain significance (1 of 4 stars; one submission).

Submission:

Ambry Genetics
Classification: Uncertain significance. Last evaluated: 2025-01-17. Review status: criteria provided, single submitter. Criteria: Ambry Variant Classification Scheme 2023. Collection method: clinical testing. Allele origin: germline.
Comment: The p.T640A variant (also known as c.1918A>G), located in coding exon 13 of the GEN1 gene, results from an A to G substitution at nucleotide position 1918. The threonine at codon 640 is replaced by alanine, an amino acid with similar properties. This amino acid position is conserved. In addition, this alteration is predicted to be tolerated by in silico analysis. Based on the available evidence, the clinical significance of this variant remains unclear.

NM_001130009.3(GEN1):c.1918A>G (p.Thr640Ala)

Gene: GEN1 (GEN1 Holliday junction 5' flap endonuclease; plus strand). Cytogenetic location: 2p24.2.
Variant type: single nucleotide variant.
Coding change: c.1918A>G on transcript NM_001130009.3 (MANE Select); coding-DNA position 1918, A replaced by G.
Protein change: p.Thr640Ala; replaces threonine 640 with alanine.
Molecular consequence: missense variant.
Genome position (GRCh38, 1-based): chr2:17,781,130, A>G. VCF-style: chr2-17781130-A-G. GRCh37 (hg19) VCF-style: chr2-17962397-A-G.
Other names: c.1918A>G, p.Thr640Ala (NM_182625.5); short protein forms T640A.
Identifiers: ClinVar variation 3853514 (VCV003853514.1).